The following is an entry in ClinVar:

NM_004329.3(BMPR1A):c.66A>C (p.Gln22His)

Gene: BMPR1A (bone morphogenetic protein receptor type 1A; plus strand). Cytogenetic location: 10q23.2.
Variant type: single nucleotide variant.
Coding change: c.66A>C on transcript NM_004329.3 (MANE Select); coding-DNA position 66, A replaced by C.
Protein change: p.Gln22His; replaces glutamine 22 with histidine.
Molecular consequence: missense variant.
Genome position (GRCh38, 1-based): chr10:86,876,084, A>C. VCF-style: chr10-86876084-A-C. GRCh37 (hg19) VCF-style: chr10-88635841-A-C.
Other names: short protein forms Q22H.
Identifiers: ClinVar variation 188214 (VCV000188214.18), dbSNP rs786204152, ClinGen allele CA334351.

ClinVar aggregate classification (germline): Uncertain significance. Review status: criteria provided, multiple submitters, no conflicts (2 of 4 stars). 4 submissions from 4 submitters: Uncertain significance (4). Last evaluated 2025-11-11.

Conditions:
Juvenile polyposis syndrome (JPS). Identifiers: Orphanet 2929, MedGen C0345893, MONDO:0017380, OMIM 174900.
Hereditary cancer-predisposing syndrome. Also called: Hereditary Cancer Syndrome; Neoplastic Syndromes, Hereditary; Tumor predisposition; Hereditary neoplastic syndrome. Identifiers: Orphanet 140162, MedGen C0027672, MeSH D009386, MONDO:0015356.

Submissions (4):

Labcorp Genetics (formerly Invitae), Labcorp
Classification: Uncertain significance for Juvenile polyposis syndrome. Last evaluated: 2025-11-11. Review status: criteria provided, single submitter. Criteria: Invitae Variant Classification Sherloc (09022015). Collection method: clinical testing. Allele origin: germline.
Comment: This sequence change replaces glutamine, which is neutral and polar, with histidine, which is basic and polar, at codon 22 of the BMPR1A protein (p.Gln22His). This variant is not present in population databases (gnomAD no frequency). This variant has not been reported in the literature in individuals affected with BMPR1A-related conditions. ClinVar contains an entry for this variant (Variation ID: 188214). An algorithm developed to predict the effect of missense changes on protein structure and function (PolyPhen-2) suggests that this variant is likely to be tolerated. Algorithms developed to predict the effect of sequence changes on RNA splicing suggest that this variant may disrupt the consensus splice site. In summary, the available evidence is currently insufficient to determine the role of this variant in disease. Therefore, it has been classified as a Variant of Uncertain Significance.

Ambry Genetics
Classification: Uncertain significance for Hereditary cancer-predisposing syndrome. Last evaluated: 2024-10-23. Review status: criteria provided, single submitter. Criteria: Ambry Variant Classification Scheme 2023. Collection method: clinical testing. Allele origin: germline.
Comment: The p.Q22H variant (also known as c.66A>C), located in coding exon 1 of the BMPR1A gene, results from an A to C substitution at nucleotide position 66. The glutamine at codon 22 is replaced by histidine, an amino acid with highly similar properties. This amino acid position is well conserved in available vertebrate species. In addition, this alteration is predicted to be tolerated by in silico analysis. Since supporting evidence is limited at this time, the clinical significance of this alteration remains unclear.

Color Diagnostics, LLC DBA Color Health
Classification: Uncertain significance for Hereditary cancer-predisposing syndrome. Last evaluated: 2023-11-13. Review status: criteria provided, single submitter. Criteria: ACMG Guidelines, 2015. Collection method: clinical testing. Allele origin: germline.
Comment: This missense variant replaces glutamine with histidine at codon 22 of the BMPR1A protein. Computational prediction suggests that this variant may not impact protein structure and function (internally defined REVEL score threshold <= 0.5, PMID: 27666373). To our knowledge, functional studies have not been reported for this variant. This variant has not been reported in individuals affected with BMPR1A-related disorders in the literature. This variant has not been identified in the general population by the Genome Aggregation Database (gnomAD). The available evidence is insufficient to determine the role of this variant in disease conclusively. Therefore, this variant is classified as a Variant of Uncertain Significance.

Quest Diagnostics Nichols Institute San Juan Capistrano
Classification: Uncertain significance. Last evaluated: 2017-09-12. Review status: criteria provided, single submitter. Criteria: Quest Diagnostics criteria. Collection method: clinical testing. Allele origin: germline.